The following is an entry in ClinVar:

NM_001387690.1(KATNAL2):c.51+22630C>T

Gene: KATNAL2 (katanin catalytic subunit A1 like 2; plus strand). Cytogenetic location: 18q21.1.
Variant type: single nucleotide variant.
Coding change: c.51+22630C>T on transcript NM_001387690.1 (MANE Select); 22630 bases into the intron after coding-DNA position 51, C replaced by T.
Molecular consequence: intron variant.
Genome position (GRCh38, 1-based): chr18:46,969,553, C>T. VCF-style: chr18-46969553-C-T. GRCh37 (hg19) VCF-style: chr18-44549516-C-T.
Other names: c.-2+22630C>T (NM_001353904.1, NM_001353903.1, NM_001353907.1 and 3 more transcripts); c.129+22630C>T (NM_001353899.1, NM_001353900.1, NM_001353902.1); c.51+22630C>T (NM_001353901.1, NM_001367621.1); c.-295+22630C>T (NM_001353905.1); c.-95+22630C>T (NM_031303.3).
Identifiers: ClinVar variation 4533930 (VCV004533930.6).

ClinVar aggregate classification (germline): Likely benign (1 of 4 stars; one submission).

Submission:

CeGaT Center for Human Genetics Tuebingen
Classification: Likely benign. Last evaluated: 2025-10-01. Review status: criteria provided, single submitter. Criteria: CeGaT Center For Human Genetics Tuebingen Variant Classification Criteria Version 2. Collection method: clinical testing. Allele origin: germline. Affected: yes. Observed: 1 variant allele.
Comment: ELOA3BP: BP4, BP7